The following is an entry in ClinVar:

ClinVar aggregate classification (germline): Uncertain significance (1 of 4 stars; one submission).

Allele frequency attached by ClinVar (database versions not stated): gnomAD 0.00001; gnomAD exomes 0.00001; TOPMed 0.00001; ExAC 0.00002.
gnomAD v4.1: 18 of 1,613,872 alleles (0.0011%); highest among the groups gnomAD compares: South Asian, 0.0022%; no homozygotes.

Submission:

Labcorp Genetics (formerly Invitae), Labcorp
Classification: Uncertain significance. Last evaluated: 2022-10-17. Review status: criteria provided, single submitter. Criteria: Invitae Variant Classification Sherloc (09022015). Collection method: clinical testing. Allele origin: germline.
Comment: This sequence change affects codon 1243 of the LAMC3 mRNA. It is a 'silent' change, meaning that it does not change the encoded amino acid sequence of the LAMC3 protein. This variant is present in population databases (rs199639870, gnomAD 0.006%). In summary, the available evidence is currently insufficient to determine the role of this variant in disease. Therefore, it has been classified as a Variant of Uncertain Significance. Algorithms developed to predict the effect of sequence changes on RNA splicing suggest that this variant may create or strengthen a splice site. This variant has not been reported in the literature in individuals affected with LAMC3-related conditions.

NM_006059.4(LAMC3):c.3729C>T (p.Gly1243=)

Gene: LAMC3 (laminin subunit gamma 3; plus strand). Cytogenetic location: 9q34.12.
Variant type: single nucleotide variant.
Coding change: c.3729C>T on transcript NM_006059.4 (MANE Select); coding-DNA position 3729, C replaced by T.
Protein change: p.Gly1243=; no amino-acid change (glycine 1243 retained).
Molecular consequence: synonymous variant.
Genome position (GRCh38, 1-based): chr9:131,077,286, C>T. VCF-style: chr9-131077286-C-T. GRCh37 (hg19) VCF-style: chr9-133952673-C-T.
Identifiers: ClinVar variation 2418241 (VCV002418241.7), dbSNP rs199639870, ClinGen allele CA5287914.